The following is an entry in ClinVar:

NM_000063.6(C2):c.941G>A (p.Arg314Gln)

Genes: C2 (complement C2; plus strand), C2-AS1 (C2 antisense RNA 1; minus strand). Cytogenetic location: 6p21.33.
Variant type: single nucleotide variant.
Coding change: c.941G>A on transcript NM_000063.6 (MANE Select); coding-DNA position 941, G replaced by A.
Protein change: p.Arg314Gln; replaces arginine 314 with glutamine.
Molecular consequence: missense variant. On other transcripts: intron variant (1).
Genome position (GRCh38, 1-based): chr6:31,936,014, G>A. VCF-style: chr6-31936014-G-A. GRCh37 (hg19) VCF-style: chr6-31903791-G-A.
Other names: c.545G>A, p.Arg182Gln (NM_001145903.3); c.203G>A, p.Arg68Gln (NM_001282457.2); c.854G>A, p.Arg285Gln (NM_001282458.2); c.347-1305G>A (NM_001178063.3); short protein forms R182Q, R285Q, R68Q, R314Q.
Identifiers: ClinVar variation 1460531 (VCV001460531.8), dbSNP rs550498736, ClinGen allele CA3727574.
Genomic context (GRCh38, chr6:31,936,014, plus strand): 5'-CCATTATCACCTTTGCCTCAGAGCCCAAAGTCCTCATGTCTGTCCTGAACGACAACTCCC[G>A]GGATATGACTGAGGTGATCAGCAGCCTGGAAAATGCCAACTATAAAGGTACGGGTGTCAT-3'
Protein context (NP_000054.2, residues 304-324): VLMSVLNDNS[Arg314Gln]DMTEVISSLE

ClinVar aggregate classification (germline): Uncertain significance (1 of 4 stars; one submission).

Allele frequency attached by ClinVar (database versions not stated): TOPMed below 0.00001; gnomAD exomes 0.00003.
gnomAD v4.1: 44 of 1,612,878 alleles (0.0027%); highest among the groups gnomAD compares: East Asian, 0.0067%; no homozygotes.

Submission:

Labcorp Genetics (formerly Invitae), Labcorp
Classification: Uncertain significance. Last evaluated: 2022-10-17. Review status: criteria provided, single submitter. Criteria: Invitae Variant Classification Sherloc (09022015). Collection method: clinical testing. Allele origin: germline.
Comment: In summary, the available evidence is currently insufficient to determine the role of this variant in disease. Therefore, it has been classified as a Variant of Uncertain Significance. Algorithms developed to predict the effect of missense changes on protein structure and function (SIFT, PolyPhen-2, Align-GVGD) all suggest that this variant is likely to be tolerated. ClinVar contains an entry for this variant (Variation ID: 1460531). This variant has not been reported in the literature in individuals affected with C2-related conditions. This variant is present in population databases (rs550498736, gnomAD 0.007%). This sequence change replaces arginine, which is basic and polar, with glutamine, which is neutral and polar, at codon 314 of the C2 protein (p.Arg314Gln).